The following is an entry in ClinVar:

NM_016239.4(MYO15A):c.9765_9766insGG (p.Ile3256fs)

Gene: MYO15A (myosin XVA; plus strand). Cytogenetic location: 17p11.2.
Variant type: Insertion.
Coding change: c.9765_9766insGG on transcript NM_016239.4 (MANE Select); coding-DNA positions 9765 to 9766, GG inserted.
Protein change: p.Ile3256fs; shifts the reading frame from isoleucine 3256.
Molecular consequence: frameshift variant.
Genome position: GRCh38 VCF-style: chr17-18163816-T-TGG. GRCh37 (hg19) VCF-style: chr17-18067130-T-TGG.
Other names: short protein forms I3256fs.
Identifiers: ClinVar variation 817371 (VCV000817371.13), dbSNP rs757070287, ClinGen allele CA8425671.

ClinVar aggregate classification (germline): Pathogenic/Likely pathogenic. Review status: criteria provided, multiple submitters, no conflicts (2 of 4 stars). 4 submissions from 4 submitters: Pathogenic (3); Likely pathogenic (1). Last evaluated 2025-10-30.

Conditions:
Autosomal recessive nonsyndromic hearing loss 3. Also called: NEUROSENSORY NONSYNDROMIC RECESSIVE DEAFNESS 3. Identifiers: Orphanet 90636, MedGen C1838263, MONDO:0010860, OMIM 600316.

Allele frequency attached by ClinVar (database versions not stated): gnomAD exomes below 0.00001 and 0.00001; ExAC 0.00001; gnomAD 0.00001; TOPMed 0.00001; ESP Exome Variant Server 0.00008.

Submissions (4):

GeneDx
Classification: Pathogenic. Last evaluated: 2025-10-30. Review status: criteria provided, single submitter. Criteria: GeneDx Variant Classification Process June 2021. Collection method: clinical testing. Allele origin: germline. Affected: yes.
Comment: Frameshift variant predicted to result in protein truncation or nonsense mediated decay in a gene for which loss-of-function is a known mechanism of disease; Has not been previously published as pathogenic or benign to our knowledge; Not observed at significant frequency in large population cohorts (gnomAD)

Women's Health and Genetics/Laboratory Corporation of America, LabCorp
Classification: Pathogenic for Autosomal recessive nonsyndromic hearing loss 3. Last evaluated: 2025-10-09. Review status: criteria provided, single submitter. Criteria: LabCorp Variant Classification Summary - May 2015. Collection method: clinical testing. Allele origin: germline.
Comment: Variant summary: MYO15A c.9765_9766insGG (p.Ile3256GlyfsX56) results in a premature termination codon, predicted to cause absence of the protein due to nonsense mediated decay, which is a commonly known mechanism for disease. The variant allele was found at a frequency of 4e-06 in 248824 control chromosomes. To our knowledge, no occurrence of c.9765_9766insGG in individuals affected with MYO15A-related conditions and no experimental evidence demonstrating its impact on protein function have been reported. ClinVar contains an entry for this variant (Variation ID: 817371). Based on the evidence outlined above, the variant was classified as pathogenic.

Labcorp Genetics (formerly Invitae), Labcorp
Classification: Pathogenic. Last evaluated: 2025-05-23. Review status: criteria provided, single submitter. Criteria: Invitae Variant Classification Sherloc (09022015). Collection method: clinical testing. Allele origin: germline.
Comment: This sequence change creates a premature translational stop signal (p.Ile3256Glyfs*56) in the MYO15A gene. It is expected to result in an absent or disrupted protein product. Loss-of-function variants in MYO15A are known to be pathogenic (PMID: 17546645). This variant is present in population databases (rs757070287, gnomAD 0.002%). This variant has not been reported in the literature in individuals affected with MYO15A-related conditions. ClinVar contains an entry for this variant (Variation ID: 817371). For these reasons, this variant has been classified as Pathogenic.

Fulgent Genetics
Classification: Likely pathogenic for Autosomal recessive nonsyndromic hearing loss 3. Last evaluated: 2024-04-12. Review status: criteria provided, single submitter. Criteria: ACMG Guidelines, 2015. Collection method: clinical testing. Allele origin: germline.

Literature cited by the submitters: PubMed 17546645 (cited by Labcorp Genetics (formerly Invitae), Labcorp).